The following is an entry in ClinVar:

NM_001368894.2(PAX6):c.141+1G>C

Gene: PAX6 (paired box 6; minus strand). Cytogenetic location: 11p13.
Variant type: single nucleotide variant.
Coding change: c.141+1G>C on transcript NM_001368894.2 (MANE Select); the canonical splice donor site of the intron after coding-DNA position 141, G replaced by C.
Molecular consequence: splice donor variant. On other transcripts: intron variant (2), missense variant (3).
Genome position (GRCh38, 1-based): chr11:31,802,703, C>G on the plus strand (G>C on the coding strand, the complement: PAX6 is on the minus strand). VCF-style: chr11-31802703-C-G. GRCh37 (hg19) VCF-style: chr11-31824251-C-G.
Other names: c.141+1G>C (NM_001368914.2, NM_001604.6, NM_001368893.2 and 27 more transcripts); c.384+1G>C (NM_001368910.2); c.-267-927G>C (NM_001368909.2, NM_001368904.2); c.144+1G>C (NM_001368911.2); c.-641+1G>C (NM_001368905.2, NM_001310160.2); c.-268+1G>C (NM_001368906.2, NM_001368901.2, NM_001368899.2 and 1 more transcripts); c.-310+1G>C (NM_001368908.2, NM_001310161.3, NM_001368900.2 and 2 more transcripts); c.142G>C, p.Val48Leu (NM_001368918.2, NM_001368919.2, NM_001368920.2); and 1 more; short protein forms V48L.
Identifiers: ClinVar variation 438712 (VCV000438712.24), dbSNP rs1554985714, ClinGen allele CA379959456.

ClinVar aggregate classification (germline): Pathogenic. Review status: criteria provided, single submitter (1 of 4 stars). 2 submissions from 2 submitters: Pathogenic (1). 1 of the submissions does not count toward it. Last evaluated 2024-01-01.

Conditions:
Aniridia 1 (AN1). Identifiers: Orphanet 250923, MedGen C0344542, MONDO:0024507, OMIM 106210.

Submissions (2):

CeGaT Center for Human Genetics Tuebingen
Classification: Pathogenic. Last evaluated: 2024-01-01. Review status: criteria provided, single submitter. Criteria: CeGaT Center For Human Genetics Tuebingen Variant Classification Criteria Version 2. Collection method: clinical testing. Allele origin: germline. Affected: yes. Observed: 1 variant allele.
Comment: PAX6: PVS1, PM2, PP4

Bioscientia Institut fuer Medizinische Diagnostik GmbH, Sonic Healthcare
Classification: Pathogenic for Aniridia 1. Last evaluated: 2017-04-20. Review status: no assertion criteria provided. Collection method: clinical testing. Allele origin: germline. Affected: yes. Not counted in ClinVar's aggregate classification.